The following is an entry in ClinVar:

ClinVar aggregate classification (germline): Uncertain significance (1 of 4 stars; one submission).

Conditions:
Gorlin syndrome. Also called: Basal cell nevus syndrome; Nevoid Basal Cell Carcinoma Syndrome. Identifiers: Orphanet 377, MedGen C0004779, MONDO:0007187.

Submission:

Labcorp Genetics (formerly Invitae), Labcorp
Classification: Uncertain significance for Gorlin syndrome. Last evaluated: 2022-02-09. Review status: criteria provided, single submitter. Criteria: Invitae Variant Classification Sherloc (09022015). Collection method: clinical testing. Allele origin: germline.
Comment: Algorithms developed to predict the effect of missense changes on protein structure and function are either unavailable or do not agree on the potential impact of this missense change (SIFT: "Deleterious"; PolyPhen-2: "Possibly Damaging"; Align-GVGD: "Class C0"). In summary, the available evidence is currently insufficient to determine the role of this variant in disease. Therefore, it has been classified as a Variant of Uncertain Significance. This variant has not been reported in the literature in individuals affected with PTCH1-related conditions. This variant is not present in population databases (gnomAD no frequency). This sequence change replaces alanine, which is neutral and non-polar, with glycine, which is neutral and non-polar, at codon 359 of the PTCH1 protein (p.Ala359Gly).

NM_000264.5(PTCH1):c.1076C>G (p.Ala359Gly)

Gene: PTCH1 (patched 1; minus strand). Cytogenetic location: 9q22.32.
Variant type: single nucleotide variant.
Coding change: c.1076C>G on transcript NM_000264.5 (MANE Select); coding-DNA position 1076, C replaced by G.
Protein change: p.Ala359Gly; replaces alanine 359 with glycine.
Molecular consequence: missense variant. On other transcripts: non-coding transcript variant (1).
Genome position (GRCh38, 1-based): chr9:95,479,139, G>C on the plus strand (C>G on the coding strand, the complement: PTCH1 is on the minus strand). VCF-style: chr9-95479139-G-C. GRCh37 (hg19) VCF-style: chr9-98241421-G-C.
Other names: c.878C>G, p.Ala293Gly (NM_001083602.3); c.1073C>G, p.Ala358Gly (NM_001083603.3); c.623C>G, p.Ala208Gly (NM_001083604.3, NM_001083605.3, NM_001083606.3 and 1 more transcripts); c.1076C>G, p.Ala359Gly (NM_001354918.2); short protein forms A358G, A208G, A293G, A359G.
Identifiers: ClinVar variation 2095839 (VCV002095839.4), dbSNP rs1302357924, ClinGen allele CA374119525.
Genomic context (GRCh38, chr9:95,479,139, plus strand): 5'-TACCCCTTGAAGTGCTCGTACATTTGCTTGGGAGTCATTAACTGGAACATGGTCTGCAGG[G>C]CATGGGCGCTGCAGCACAGTCCAAGGGAAGGCACATCATCAGTATTCCCAGGAAGCAGTT-3'
Protein context (NP_000255.2, residues 349-369): NSTGKLVSAH[Ala359Gly]LQTMFQLMTP